The following is an entry in ClinVar:

ClinVar aggregate classification (germline): Uncertain significance. Review status: criteria provided, multiple submitters, no conflicts (2 of 4 stars). 2 submissions from 2 submitters: Uncertain significance (2). Last evaluated 2026-06-03.

Conditions:
Colorectal cancer, hereditary nonpolyposis, type 7. Identifiers: Orphanet 144, MedGen C1858380, MONDO:0013725, OMIM 614385.

Allele frequency attached by ClinVar (database versions not stated): TOPMed below 0.00001; gnomAD 0.00001.
gnomAD v4.1: 2 of 1,613,934 alleles (0.00012%); highest among the groups gnomAD compares: Middle Eastern, 0.016%; no homozygotes.

Submissions (2):

Ambry Genetics
Classification: Uncertain significance. Last evaluated: 2026-06-03. Review status: criteria provided, single submitter. Criteria: Ambry Variant Classification Scheme 2023. Collection method: clinical testing. Allele origin: germline.
Comment: The p.D918G variant (also known as c.2753A>G), located in coding exon 1 of the MLH3 gene, results from an A to G substitution at nucleotide position 2753. The aspartic acid at codon 918 is replaced by glycine, an amino acid with similar properties. This amino acid position is conserved. In addition, this alteration is predicted to be tolerated by in silico analysis. Based on the available evidence, the clinical significance of this variant remains unclear.

Labcorp Genetics (formerly Invitae), Labcorp
Classification: Uncertain significance for Colorectal cancer, hereditary nonpolyposis, type 7. Last evaluated: 2023-11-24. Review status: criteria provided, single submitter. Criteria: Invitae Variant Classification Sherloc (09022015). Collection method: clinical testing. Allele origin: germline.
Comment: This sequence change replaces aspartic acid, which is acidic and polar, with glycine, which is neutral and non-polar, at codon 918 of the MLH3 protein (p.Asp918Gly). This variant is not present in population databases (gnomAD no frequency). This variant has not been reported in the literature in individuals affected with MLH3-related conditions. Algorithms developed to predict the effect of missense changes on protein structure and function output the following: SIFT: "Not Available"; PolyPhen-2: "Benign"; Align-GVGD: "Not Available". The glycine amino acid residue is found in multiple mammalian species, which suggests that this missense change does not adversely affect protein function. In summary, the available evidence is currently insufficient to determine the role of this variant in disease. Therefore, it has been classified as a Variant of Uncertain Significance.

NM_001040108.2(MLH3):c.2753A>G (p.Asp918Gly)

Gene: MLH3 (mutL homolog 3; minus strand). Cytogenetic location: 14q24.3.
Variant type: single nucleotide variant.
Coding change: c.2753A>G on transcript NM_001040108.2 (MANE Select); coding-DNA position 2753, A replaced by G.
Protein change: p.Asp918Gly; replaces aspartic acid 918 with glycine.
Molecular consequence: missense variant.
Genome position (GRCh38, 1-based): chr14:75,046,903, T>C on the plus strand (A>G on the coding strand, the complement: MLH3 is on the minus strand). VCF-style: chr14-75046903-T-C. GRCh37 (hg19) VCF-style: chr14-75513606-T-C.
Other names: c.2753A>G, p.Asp918Gly (NM_014381.3); short protein forms D918G.
Identifiers: ClinVar variation 2912037 (VCV002912037.4), dbSNP rs1892273867, ClinGen allele CA390438693.